The following is an entry in ClinVar:

ClinVar aggregate classification (germline): Uncertain significance (1 of 4 stars; one submission).

Conditions:
Combined immunodeficiency due to LRBA deficiency. Also called: Common variable immunodeficiency 8, with autoimmunity. Identifiers: Orphanet 445018, MedGen C3553512, MONDO:0013863, OMIM 614700.

Allele frequency attached by ClinVar (database versions not stated): ExAC 0.00001; gnomAD exomes 0.00002.
gnomAD v4.1: 12 of 1,614,000 alleles (0.00074%); highest among the groups gnomAD compares: East Asian, 0.025%; no homozygotes.

Submission:

Labcorp Genetics (formerly Invitae), Labcorp
Classification: Uncertain significance for Combined immunodeficiency due to LRBA deficiency. Last evaluated: 2020-12-19. Review status: criteria provided, single submitter. Criteria: Invitae Variant Classification Sherloc (09022015). Collection method: clinical testing. Allele origin: germline.
Comment: In summary, the available evidence is currently insufficient to determine the role of this variant in disease. Therefore, it has been classified as a Variant of Uncertain Significance. Algorithms developed to predict the effect of missense changes on protein structure and function (SIFT, PolyPhen-2, Align-GVGD) all suggest that this variant is likely to be tolerated, but these predictions have not been confirmed by published functional studies and their clinical significance is uncertain. This variant has not been reported in the literature in individuals with LRBA-related conditions. This variant is present in population databases (rs760181008, ExAC 0.01%). This sequence change replaces alanine with proline at codon 1260 of the LRBA protein (p.Ala1260Pro). The alanine residue is weakly conserved and there is a small physicochemical difference between alanine and proline.

NM_001364905.1(LRBA):c.3778G>C (p.Ala1260Pro)

Gene: LRBA (LPS responsive beige-like anchor protein; minus strand). Cytogenetic location: 4q31.3.
Variant type: single nucleotide variant.
Coding change: c.3778G>C on transcript NM_001364905.1 (MANE Select); coding-DNA position 3778, G replaced by C.
Protein change: p.Ala1260Pro; replaces alanine 1260 with proline.
Molecular consequence: missense variant.
Genome position (GRCh38, 1-based): chr4:150,851,932, C>G on the plus strand (G>C on the coding strand, the complement: LRBA is on the minus strand). VCF-style: chr4-150851932-C-G. GRCh37 (hg19) VCF-style: chr4-151773084-C-G.
Other names: c.3778G>C, p.Ala1260Pro (NM_001199282.3, NM_001367550.1, NM_006726.5); short protein forms A1260P.
Identifiers: ClinVar variation 1498079 (VCV001498079.6), dbSNP rs760181008, ClinGen allele CA3102993.
Genomic context (GRCh38, chr4:150,851,932, plus strand): 5'-TATATAAAATCACCTCAAGCACATGTCGATGAGGTTGAGGTGCTTCCACGTTGGGACTGG[C>G]CTTCAACTCCAGCCTCTCAGTATCTGTAGCAACATTGGAAACATCCAACTTCGCAATCTT-3'
Protein context (NP_001351834.1, residues 1250-1270): ATDTERLELK[Ala1260Pro]SPNVEAPQPH